The following is an entry in ClinVar:

ClinVar aggregate classification (germline): Uncertain significance (1 of 4 stars; one submission).

Conditions:
Hypotonia, infantile, with psychomotor retardation and characteristic facies 2 (IHPRF2). Also called: UNC80 Deficiency. Identifiers: Orphanet 371364, Orphanet 700333, MedGen C4225203, MONDO:0014777, OMIM 616801.

Submission:

Baylor Genetics
Classification: Uncertain significance for Hypotonia, infantile, with psychomotor retardation and characteristic facies 2. Last evaluated: 2018-03-21. Review status: criteria provided, single submitter. Criteria: ACMG Guidelines, 2015. Collection method: clinical testing. Allele origin: paternal. Affected: yes.
Comment: This variant was determined to be of uncertain significance according to ACMG Guidelines, 2015 [PMID:25741868].

NM_001371986.1(UNC80):c.9472A>C (p.Thr3158Pro)

Gene: UNC80 (unc-80 subunit of NALCN channel complex; plus strand). Cytogenetic location: 2q34.
Variant type: single nucleotide variant.
Coding change: c.9472A>C on transcript NM_001371986.1 (MANE Select); coding-DNA position 9472, A replaced by C.
Protein change: p.Thr3158Pro; replaces threonine 3158 with proline.
Molecular consequence: missense variant.
Genome position (GRCh38, 1-based): chr2:209,993,390, A>C. VCF-style: chr2-209993390-A-C. GRCh37 (hg19) VCF-style: chr2-210858114-A-C.
Other names: c.9274A>C, p.Thr3092Pro (NM_032504.2); c.9202A>C, p.Thr3068Pro (NM_182587.4); short protein forms T3068P, T3092P, T3158P.
Identifiers: ClinVar variation 1032291 (VCV001032291.1), dbSNP rs2093426860, ClinGen allele CA350415591.
Genomic context (GRCh38, chr2:209,993,390, plus strand): 5'-CTATCACGTCAGAAAACTCAGACTGAACCCAGAAATCGCCAAGGGGCTCGGCTGTCAACC[A>C]CTCGCAGGAGCATTCAACCTAAAACGAAGCCGTCTGGTGAGGCCTCCTGTGTCCCTTCTG-3'
Protein context (NP_001358915.1, residues 3148-3168): RNRQGARLST[Thr3158Pro]RRSIQPKTKP